The following is an entry in ClinVar:

ClinVar aggregate classification (germline): Uncertain significance (1 of 4 stars; one submission).

Conditions:
Charcot-Marie-Tooth disease type 4. Also called: Charcot-Marie-Tooth disease, type IV; Charcot-Marie-Tooth, Type 4. Identifiers: Orphanet 64749, MedGen C4082197, MONDO:0018995.

Submission:

Labcorp Genetics (formerly Invitae), Labcorp
Classification: Uncertain significance for Charcot-Marie-Tooth disease type 4. Last evaluated: 2021-06-09. Review status: criteria provided, single submitter. Criteria: Invitae Variant Classification Sherloc (09022015). Collection method: clinical testing. Allele origin: germline.
Comment: This sequence change falls in intron 11 of the MTMR2 gene. It does not directly change the encoded amino acid sequence of the MTMR2 protein. It affects a nucleotide within the consensus splice site of the intron. This variant is not present in population databases (ExAC no frequency). This variant has not been reported in the literature in individuals with MTMR2-related conditions. Nucleotide substitutions within the consensus splice site are a relatively common cause of aberrant splicing (PMID: 17576681, 9536098). Algorithms developed to predict the effect of sequence changes on RNA splicing suggest that this variant is not likely to affect RNA splicing, but this prediction has not been confirmed by published transcriptional studies. In summary, the available evidence is currently insufficient to determine the role of this variant in disease. Therefore, it has been classified as a Variant of Uncertain Significance.

Literature cited by the submitters: PubMed 17576681; PubMed 9536098.

NM_016156.6(MTMR2):c.1387-3C>T

Gene: MTMR2 (myotubularin related protein 2; minus strand). Cytogenetic location: 11q21.
Variant type: single nucleotide variant.
Coding change: c.1387-3C>T on transcript NM_016156.6 (MANE Select); 3 bases into the intron before coding-DNA position 1387, C replaced by T.
Molecular consequence: intron variant.
Genome position (GRCh38, 1-based): chr11:95,841,712, G>A on the plus strand (C>T on the coding strand, the complement: MTMR2 is on the minus strand). VCF-style: chr11-95841712-G-A. GRCh37 (hg19) VCF-style: chr11-95574876-G-A.
Other names: c.1171-3C>T (NM_201281.3, NM_201278.3, NM_001243571.2).
Identifiers: ClinVar variation 1374237 (VCV001374237.6), dbSNP rs2135417340, ClinGen allele CA2573147852.